The following is an entry in ClinVar:

NM_005477.3(HCN4):c.1382G>T (p.Trp461Leu)

Gene: HCN4 (hyperpolarization activated cyclic nucleotide gated potassium channel 4; minus strand). Cytogenetic location: 15q24.1.
Variant type: single nucleotide variant.
Coding change: c.1382G>T on transcript NM_005477.3 (MANE Select); coding-DNA position 1382, G replaced by T.
Protein change: p.Trp461Leu; replaces tryptophan 461 with leucine.
Molecular consequence: missense variant.
Genome position (GRCh38, 1-based): chr15:73,329,781, C>A on the plus strand (G>T on the coding strand, the complement: HCN4 is on the minus strand). VCF-style: chr15-73329781-C-A. GRCh37 (hg19) VCF-style: chr15-73622122-C-A.
Other names: short protein forms W461L.
Identifiers: ClinVar variation 2821428 (VCV002821428.3), dbSNP rs2549071446, ClinGen allele CA393094176.

ClinVar aggregate classification (germline): Uncertain significance (1 of 4 stars; one submission).

Conditions:
Brugada syndrome 8 (BRGDA8). Identifiers: Orphanet 130, MedGen C2751083, MONDO:0013148, OMIM 613123.

Submission:

Labcorp Genetics (formerly Invitae), Labcorp
Classification: Uncertain significance for Brugada syndrome 8. Last evaluated: 2023-09-28. Review status: criteria provided, single submitter. Criteria: Invitae Variant Classification Sherloc (09022015). Collection method: clinical testing. Allele origin: germline.
Comment: In summary, the available evidence is currently insufficient to determine the role of this variant in disease. Therefore, it has been classified as a Variant of Uncertain Significance. Advanced modeling of protein sequence and biophysical properties (such as structural, functional, and spatial information, amino acid conservation, physicochemical variation, residue mobility, and thermodynamic stability) has been performed at Invitae for this missense variant, however the output from this modeling did not meet the statistical confidence thresholds required to predict the impact of this variant on HCN4 protein function. This variant has not been reported in the literature in individuals affected with HCN4-related conditions. This variant is not present in population databases (gnomAD no frequency). This sequence change replaces tryptophan, which is neutral and slightly polar, with leucine, which is neutral and non-polar, at codon 461 of the HCN4 protein (p.Trp461Leu).